The following is an entry in ClinVar:

ClinVar aggregate classification (germline): Pathogenic (1 of 4 stars; one submission).

Submission:

Labcorp Genetics (formerly Invitae), Labcorp
Classification: Pathogenic. Last evaluated: 2023-10-09. Review status: criteria provided, single submitter. Criteria: Invitae Variant Classification Sherloc (09022015). Collection method: clinical testing. Allele origin: germline.
Comment: This sequence change creates a premature translational stop signal (p.Arg1014*) in the FAT4 gene. It is expected to result in an absent or disrupted protein product. Loss-of-function variants in FAT4 are known to be pathogenic (PMID: 24056717, 24913602). This variant is present in population databases (no rsID available, gnomAD 0.003%). This variant has not been reported in the literature in individuals affected with FAT4-related conditions. For these reasons, this variant has been classified as Pathogenic.

Literature cited by the submitters: PubMed 24056717; PubMed 24913602.

NM_001291303.3(FAT4):c.3040C>T (p.Arg1014Ter)

Gene: FAT4 (FAT atypical cadherin 4; plus strand). Cytogenetic location: 4q28.1.
Variant type: single nucleotide variant.
Coding change: c.3040C>T on transcript NM_001291303.3 (MANE Select); coding-DNA position 3040, C replaced by T.
Protein change: p.Arg1014Ter; replaces arginine 1014 with a stop codon.
Molecular consequence: nonsense.
Genome position (GRCh38, 1-based): chr4:125,319,451, C>T. VCF-style: chr4-125319451-C-T. GRCh37 (hg19) VCF-style: chr4-126240606-C-T.
Other names: c.3040C>T, p.Arg1014Ter (NM_001291285.3, NM_024582.6); short protein forms R1014*.
Identifiers: ClinVar variation 2820515 (VCV002820515.3), dbSNP rs1014593243, ClinGen allele CA358121640.